The following is an entry in ClinVar:

ClinVar aggregate classification (germline): Likely pathogenic (1 of 4 stars; one submission).

Conditions:
Usher syndrome type 2A. Also called: RETINAL DISEASE IN USHER SYNDROME TYPE IIA, MODIFIER OF; USHER SYNDROME, TYPE IIA. Identifiers: Orphanet 231178, Orphanet 886, MedGen C1848634, MONDO:0010169, OMIM 276901.

Submission:

Natera, Inc.
Classification: Likely pathogenic for Usher syndrome type 2A. Last evaluated: 2025-04-18. Review status: criteria provided, single submitter. Criteria: Natera Variant Classification Schema (03/2026). Collection method: clinical testing. Allele origin: germline.
Comment: The c.2554dup variant in USH2A is a frameshift variant predicted to shift the reading frame beginning at codon 852 and leads to a stop codon 11 codons downstream. This variant is expected to result in nonsense mediated decay, truncation, or a dysfunctional protein product. This variant is rare in the general population with a frequency below the threshold expected for the associated phenotype(s). Given the available evidence, this variant is classified as Likely Pathogenic.

NM_206933.4(USH2A):c.2554dup (p.Thr852fs)

Genes: USH2A (usherin; minus strand), LOC122152296 (Sharpr-MPRA regulatory region 8762; plus strand). Cytogenetic location: 1q41.
Variant type: Duplication.
Coding change: c.2554dup on transcript NM_206933.4 (MANE Select); coding-DNA position 2554, one base duplicated (A; older notation c.2554dupA).
Protein change: p.Thr852fs; shifts the reading frame from threonine 852.
Molecular consequence: frameshift variant.
Genome position (GRCh38, 1-based): chr1:216,246,840, T duplicated on the plus strand (A on the coding strand, the reverse complement: USH2A is on the minus strand). VCF-style (leftmost placement, unchanged base first): chr1-216246839-G-GT. GRCh37 (hg19) VCF-style: chr1-216420181-G-GT.
Other names: c.2554dup, p.Thr852fs (NM_007123.6); short protein forms T852fs.
Identifiers: ClinVar variation 4062629 (VCV004062629.2).
Genomic context (GRCh38, chr1:216,246,839, plus strand): 5'-AATTTGCAAGGACATTGTCCTGTTGATTTGTTACACAGCAGAGAGCCATTTATTGTCCCA[G>GT]TCTTATCACAGTTGCAAGGCAGACAGAGGAAAGAATTATTTTGCCGTAGGTAGAAGTTTC-3'